The following is an entry in ClinVar:

ClinVar aggregate classification (germline): Likely benign (1 of 4 stars; one submission).

gnomAD v4.1: 20 of 1,613,820 alleles (0.0012%); highest among the groups gnomAD compares: Non-Finnish European, 0.0016%; no homozygotes.

Submission:

CeGaT Center for Human Genetics Tuebingen
Classification: Likely benign. Last evaluated: 2026-08-01. Review status: criteria provided, single submitter. Criteria: CeGaT Center For Human Genetics Tuebingen Variant Classification Criteria Version 2. Collection method: clinical testing. Allele origin: germline. Affected: yes. Observed: 1 variant allele.
Comment: CROCC: BP4, BP7

NM_014675.5(CROCC):c.138C>T (p.Ser46=)

Gene: CROCC (ciliary rootlet coiled-coil, rootletin; plus strand). Cytogenetic location: 1p36.13.
Variant type: single nucleotide variant.
Coding change: c.138C>T on transcript NM_014675.5 (MANE Select); coding-DNA position 138, C replaced by T.
Protein change: p.Ser46=; no amino-acid change (serine 46 retained).
Molecular consequence: synonymous variant.
Genome position (GRCh38, 1-based): chr1:16,922,740, C>T. VCF-style: chr1-16922740-C-T. GRCh37 (hg19) VCF-style: chr1-17249235-C-T.
Identifiers: ClinVar variation 5039020 (VCV005039020.1).